The following is an entry in ClinVar:

ClinVar aggregate classification (germline): Uncertain significance (1 of 4 stars; one submission).

Conditions:
Hereditary hyperferritinemia with congenital cataracts. Also called: Hereditary hyperferritinemia cataract syndrome; Bonneau-Beaumont syndrome; HYPERFERRITINEMIA WITH OR WITHOUT CATARACT. Identifiers: Orphanet 163, MedGen C1833213, MONDO:0010952, OMIM 600886.
Neuroferritinopathy (NBIA3). Also called: NEURODEGENERATION WITH BRAIN IRON ACCUMULATION 3; BASAL GANGLIA DISEASE, ADULT-ONSET. Identifiers: Orphanet 157846, MedGen C1853578, MONDO:0011638, OMIM 606159.

Allele frequency attached by ClinVar (database versions not stated): gnomAD exomes below 0.00001.
gnomAD v4.1: 2 of 666,568 alleles (0.0003%); highest among the groups gnomAD compares: Non-Finnish European, 0.00055%; no homozygotes.

Submission:

Labcorp Genetics (formerly Invitae), Labcorp
Classification: Uncertain significance for Neuroferritinopathy; Hereditary hyperferritinemia with congenital cataracts. Last evaluated: 2023-11-16. Review status: criteria provided, single submitter. Criteria: Invitae Variant Classification Sherloc (09022015). Collection method: clinical testing. Allele origin: germline.
Comment: This variant occurs in a non-coding region of the FTL gene. It does not change the encoded amino acid sequence of the FTL protein. This variant is not present in population databases (gnomAD no frequency). This variant has not been reported in the literature in individuals affected with FTL-related conditions. ClinVar contains an entry for this variant (Variation ID: 1416345). Experimental studies and prediction algorithms are not available or were not evaluated, and the functional significance of this variant is currently unknown. In summary, the available evidence is currently insufficient to determine the role of this variant in disease. Therefore, it has been classified as a Variant of Uncertain Significance.

NM_000146.4(FTL):c.-170T>C

Gene: FTL (ferritin light chain; plus strand). Cytogenetic location: 19q13.33.
Variant type: single nucleotide variant.
Coding change: c.-170T>C on transcript NM_000146.4 (MANE Select); 170 bases upstream of the start codon, T replaced by C.
Molecular consequence: 5 prime UTR variant.
Genome position (GRCh38, 1-based): chr19:48,965,338, T>C. VCF-style: chr19-48965338-T-C. GRCh37 (hg19) VCF-style: chr19-49468595-T-C.
Identifiers: ClinVar variation 1416345 (VCV001416345.6), dbSNP rs2122429714, ClinGen allele CA2573156629.